The following is an entry in ClinVar:

NM_001256715.2(DNAAF3):c.1238+1G>A

Genes: DNAAF3-AS1 (DNAAF3 antisense RNA 1; plus strand), DNAAF3 (dynein axonemal assembly factor 3; minus strand). Cytogenetic location: 19q13.42.
Variant type: single nucleotide variant.
Coding change: c.1238+1G>A on transcript NM_001256715.2 (MANE Select); the canonical splice donor site of the intron after coding-DNA position 1238, G replaced by A.
Molecular consequence: splice donor variant.
Genome position (GRCh38, 1-based): chr19:55,159,532, C>T on the plus strand (G>A on the coding strand, the complement: DNAAF3 is on the minus strand). VCF-style: chr19-55159532-C-T. GRCh37 (hg19) VCF-style: chr19-55670900-C-T.
Other names: c.1379+1G>A (NM_178837.4); c.1439+1G>A (NM_001256714.1); c.1076+1G>A (NM_001256716.2).
Identifiers: ClinVar variation 3670823 (VCV003670823.2).

ClinVar aggregate classification (germline): Pathogenic (1 of 4 stars; one submission).

Conditions:
Primary ciliary dyskinesia. Also called: Ciliary dyskinesia. Identifiers: Orphanet 244, MedGen C0008780, MONDO:0016575, HP:0012265.

gnomAD v4.1: 2 of 1,596,974 alleles (0.00013%); highest among the groups gnomAD compares: Admixed American, 0.0034%; no homozygotes.

Submission:

Labcorp Genetics (formerly Invitae), Labcorp
Classification: Pathogenic for Primary ciliary dyskinesia. Last evaluated: 2024-04-06. Review status: criteria provided, single submitter. Criteria: Invitae Variant Classification Sherloc (09022015). Collection method: clinical testing. Allele origin: germline.
Comment: This sequence change affects a donor splice site in intron 11 of the DNAAF3 gene. While this variant is not anticipated to result in nonsense mediated decay, it likely alters RNA splicing and results in a disrupted protein product. This variant is present in population databases (no rsID available, gnomAD 0.006%). This variant has not been reported in the literature in individuals affected with DNAAF3-related conditions. Variants that disrupt the consensus splice site are a relatively common cause of aberrant splicing (PMID: 17576681, 9536098). Algorithms developed to predict the effect of sequence changes on RNA splicing suggest that this variant may disrupt the consensus splice site. This variant disrupts a region of the DNAAF3 protein in which other variant(s) (p.Gln487*) have been determined to be pathogenic (Invitae). This suggests that this is a clinically significant region of the protein, and that variants that disrupt it are likely to be disease-causing. For these reasons, this variant has been classified as Pathogenic.

Literature cited by the submitters: PubMed 17576681; PubMed 9536098.